The following is an entry in ClinVar:

ClinVar aggregate classification (germline): Uncertain significance (1 of 4 stars; one submission).

Conditions:
Cardiovascular phenotype. Identifiers: MedGen CN230736.

Submission:

Ambry Genetics
Classification: Uncertain significance for Cardiovascular phenotype. Last evaluated: 2025-03-13. Review status: criteria provided, single submitter. Criteria: Ambry Variant Classification Scheme 2023. Collection method: clinical testing. Allele origin: germline.
Comment: The c.2539_2547delTACGCGGTC variant (also known as p.Y847_V849del) is located in coding exon 25 of the MYBPC3 gene. This variant results from an in-frame TACGCGGTC deletion at nucleotide positions 2539 to 2547. This results in the in-frame deletion of three amino acids (YAV) at codons 847 to 849. These amino acid positions are highly conserved in available vertebrate species. Based on the available evidence, the clinical significance of this variant remains unclear.

NM_000256.3(MYBPC3):c.2539_2547del (p.Tyr847_Val849del)

Gene: MYBPC3 (myosin binding protein C3; minus strand). Cytogenetic location: 11p11.2.
Variant type: Deletion.
Coding change: c.2539_2547del on transcript NM_000256.3 (MANE Select); coding-DNA positions 2539 to 2547, 9 bases deleted (TACGCGGTC; older notation c.2539_2547delTACGCGGTC).
Protein change: p.Tyr847_Val849del.
Molecular consequence: inframe deletion.
Genome position (GRCh38, 1-based): chr11:47,337,446-47,337,454, GACCGCGTA deleted on the plus strand (TACGCGGTC on the coding strand, the reverse complement: MYBPC3 is on the minus strand); deleting any 9 consecutive bases within chr11:47,337,446-47,337,457 gives the same sequence; the c. name uses the placement nearest the transcript's 3' end. VCF-style (leftmost placement, unchanged base first): chr11-47337445-TGACCGCGTA-T. GRCh37 (hg19) VCF-style: chr11-47358996-TGACCGCGTA-T.
Other names: c.2539_2547delTACGCGGTC (NM_000256.3).
Identifiers: ClinVar variation 3876145 (VCV003876145.1).
Genomic context (GRCh38, chr11:47,337,445, plus strand): 5'-GCTCACCGATAGGCATGAAGGGCTGGGAGGCAGGGCTGGGCCTGGACATGCCGATGGCGT[TGACCGCGTA>T]GACGCGCATCTCGTACACCACGCCCTCGATCATGCGCCGCGCTTCATGACTCAGCTCCTG-3'